The following is an entry in ClinVar:

NM_002485.5(NBN):c.557C>T (p.Ser186Phe)

Gene: NBN (nibrin; minus strand). Cytogenetic location: 8q21.3.
Variant type: single nucleotide variant.
Coding change: c.557C>T on transcript NM_002485.5 (MANE Select); coding-DNA position 557, C replaced by T.
Protein change: p.Ser186Phe; replaces serine 186 with phenylalanine.
Molecular consequence: missense variant.
Genome position (GRCh38, 1-based): chr8:89,978,247, G>A on the plus strand (C>T on the coding strand, the complement: NBN is on the minus strand). VCF-style: chr8-89978247-G-A. GRCh37 (hg19) VCF-style: chr8-90990475-G-A.
Other names: c.311C>T, p.Ser104Phe (NM_001024688.3); short protein forms S186F, S104F.
Identifiers: ClinVar variation 2693802 (VCV002693802.3), dbSNP rs2488343617, ClinGen allele CA371660182.

ClinVar aggregate classification (germline): Uncertain significance (1 of 4 stars; one submission).

Conditions:
Microcephaly, normal intelligence and immunodeficiency (NBS). Also called: Nijmegen breakage syndrome; Microcephaly with normal intelligence immunodeficiency and lymphoreticular malignancies; Nonsyndromal microcephaly autosomal recessive with normal intelligence; Seemanova syndrome 2; BERLIN BREAKAGE SYNDROME; IMMUNODEFICIENCY, MICROCEPHALY, AND CHROMOSOMAL INSTABILITY. Identifiers: Orphanet 647, MedGen C0398791, MONDO:0009623, OMIM 251260.

Submission:

Labcorp Genetics (formerly Invitae), Labcorp
Classification: Uncertain significance for Microcephaly, normal intelligence and immunodeficiency. Last evaluated: 2023-06-06. Review status: criteria provided, single submitter. Criteria: Invitae Variant Classification Sherloc (09022015). Collection method: clinical testing. Allele origin: germline.
Comment: This sequence change replaces serine, which is neutral and polar, with phenylalanine, which is neutral and non-polar, at codon 186 of the NBN protein (p.Ser186Phe). This variant is not present in population databases (gnomAD no frequency). This variant has not been reported in the literature in individuals affected with NBN-related conditions. An algorithm developed to predict the effect of missense changes on protein structure and function (PolyPhen-2) suggests that this variant is likely to be disruptive. In summary, the available evidence is currently insufficient to determine the role of this variant in disease. Therefore, it has been classified as a Variant of Uncertain Significance.